The following is an entry in ClinVar:

ClinVar aggregate classification (germline): Pathogenic. Review status: criteria provided, multiple submitters, no conflicts (2 of 4 stars). 4 submissions from 4 submitters: Pathogenic (4). Last evaluated 2024-09-04.
ClinVar aggregate classification (oncogenicity): Likely oncogenic (1 of 4 stars; one submission).

Conditions:
Hereditary cancer-predisposing syndrome. Also called: Hereditary neoplastic syndrome; Neoplastic Syndromes, Hereditary; Hereditary Cancer Syndrome; Tumor predisposition. Identifiers: Orphanet 140162, MedGen C0027672, MeSH D009386, MONDO:0015356.
Multiple endocrine neoplasia, type 1 (MEN1). Also called: Endocrine adenomatosis multiple; MEN 1; MEN I; WERMER SYNDROME; MEA I. Identifiers: Orphanet 652, MedGen C0025267, MeSH D018761, MONDO:0007540, OMIM 131100.
Neoplasm. Also called: tumor; Neoplasms; Neoplasm (disease). Identifiers: MedGen C0027651, MeSH D009369, MONDO:0005070, HP:0002664.

Submissions (5):

Center for Genomic Medicine, Rigshospitalet, Copenhagen University Hospital
Classification: Likely oncogenic for Neoplasm. Last evaluated: 2026-10-16. Review status: criteria provided, single submitter. Criteria: ClinGen/CGC/VICC Guidelines for Oncogenicity, 2022. Collection method: clinical testing. Allele origin: somatic. Affected: yes.

Mayo Clinic Laboratories, Mayo Clinic
Classification: Pathogenic. Last evaluated: 2024-09-04. Review status: criteria provided, single submitter. Criteria: ACMG Guidelines, 2015. Collection method: clinical testing. Allele origin: germline. Observed: 1 variant allele.
Comment: PP4, PM2, PVS1

Labcorp Genetics (formerly Invitae), Labcorp
Classification: Pathogenic for Multiple endocrine neoplasia, type 1. Last evaluated: 2022-08-18. Review status: criteria provided, single submitter. Criteria: Invitae Variant Classification Sherloc (09022015). Collection method: clinical testing. Allele origin: germline.
Comment: This sequence change creates a premature translational stop signal (p.Gln261*) in the MEN1 gene. It is expected to result in an absent or disrupted protein product. Loss-of-function variants in MEN1 are known to be pathogenic (PMID: 12112656, 17853334). This variant is not present in population databases (gnomAD no frequency). This premature translational stop signal has been observed in individual(s) with multiple endocrine neoplasia Type 1 (PMID: 9683585, 21369528). ClinVar contains an entry for this variant (Variation ID: 379789). Algorithms developed to predict the effect of sequence changes on RNA splicing suggest that this variant may create or strengthen a splice site. For these reasons, this variant has been classified as Pathogenic.

Ambry Genetics
Classification: Pathogenic for Hereditary cancer-predisposing syndrome. Last evaluated: 2021-10-19. Review status: criteria provided, single submitter. Criteria: Ambry Variant Classification Scheme 2023. Collection method: clinical testing. Allele origin: germline.
Comment: The p.Q261* variant (also known as c.781C>T), located in coding exon 3 of the MEN1 gene, results from a C to T substitution at nucleotide position 781. This changes the amino acid from a glutamine to a stop codon within coding exon 3. This alteration has been reported in individuals with multiple endocrine neoplasia Type 1 (Vithian K et al. JRSM Short Rep, 2011 Feb;2:10; Giraud S et al. Am J Hum Genet, 1998 Aug;63:455-67). This variant is considered to be rare based on population cohorts in the Genome Aggregation Database (gnomAD). This alteration is expected to result in loss of function by premature protein truncation or nonsense-mediated mRNA decay. As such, this alteration is interpreted as a disease-causing mutation.

GeneDx
Classification: Pathogenic. Last evaluated: 2018-02-02. Review status: criteria provided, single submitter. Criteria: GeneDx Variant Classification (06012015). Collection method: clinical testing. Allele origin: germline. Affected: yes.
Comment: The Q261X nonsense variant in the MEN1 gene has previously been reported in multiple individuals with multiple endocrine neoplasia type 1 (Giraud et al., 1998; Cebrian et al., 2002; Cebrian et al., 2003; Vithian et al., 2011). This variant is predicted to cause loss of normal protein function either through protein truncation or nonsense-mediated mRNA decay. The Q261X variant is not observed in large population cohorts (Lek et al., 2016). Based on currently available evidence, we consider Q261X to be pathogenic.

Literature cited by the submitters: PubMed 21369528 (cited by 3 submitters); PubMed 9683585 (cited by 3 submitters); PubMed 12112656 (cited by Labcorp Genetics (formerly Invitae), Labcorp); PubMed 17853334 (cited by Labcorp Genetics (formerly Invitae), Labcorp).

NM_001370259.2(MEN1):c.781C>T (p.Gln261Ter)

Gene: MEN1 (menin 1; minus strand). Cytogenetic location: 11q13.1.
Variant type: single nucleotide variant.
Coding change: c.781C>T on transcript NM_001370259.2 (MANE Select); coding-DNA position 781, C replaced by T.
Protein change: p.Gln261Ter; replaces glutamine 261 with a stop codon.
Molecular consequence: nonsense.
Genome position (GRCh38, 1-based): chr11:64,807,554, G>A on the plus strand (C>T on the coding strand, the complement: MEN1 is on the minus strand). VCF-style: chr11-64807554-G-A. GRCh37 (hg19) VCF-style: chr11-64575026-G-A.
Other names: p.Gln261*; c.781C>T, p.Gln261Ter (NM_130799.3, NM_001370251.2, NM_001370260.2 and 1 more transcripts); c.796C>T, p.Gln266Ter (NM_130800.3, NM_130801.3, NM_130802.3 and 3 more transcripts); c.676C>T, p.Gln226Ter (NM_001370262.2, NM_001370263.2); short protein forms Q261*, Q266*, Q226*.
Identifiers: ClinVar variation 379789 (VCV000379789.14), dbSNP rs1057520733, ClinGen allele CA16606275.